The following is an entry in ClinVar:

ClinVar aggregate classification (germline): Uncertain significance (1 of 4 stars; one submission).

gnomAD v4.1: 6 of 1,398,154 alleles (0.00043%); highest among the groups gnomAD compares: African/African-American, 0.0061%; no homozygotes.

Submission:

Labcorp Genetics (formerly Invitae), Labcorp
Classification: Uncertain significance. Last evaluated: 2025-07-02. Review status: criteria provided, single submitter. Criteria: Invitae Variant Classification Sherloc (09022015). Collection method: clinical testing. Allele origin: germline.
Comment: This sequence change replaces alanine, which is neutral and non-polar, with serine, which is neutral and polar, at codon 8 of the DEAF1 protein (p.Ala8Ser). This variant is present in population databases (rs542037834, gnomAD 0.01%). This variant has not been reported in the literature in individuals affected with DEAF1-related conditions. Invitae Evidence Modeling of protein sequence and biophysical properties (such as structural, functional, and spatial information, amino acid conservation, physicochemical variation, residue mobility, and thermodynamic stability) indicates that this missense variant is not expected to disrupt DEAF1 protein function with a negative predictive value of 80%. In summary, the available evidence is currently insufficient to determine the role of this variant in disease. Therefore, it has been classified as a Variant of Uncertain Significance.

NM_021008.4(DEAF1):c.22G>T (p.Ala8Ser)

Gene: DEAF1 (DEAF1 transcription factor; minus strand). Cytogenetic location: 11p15.5.
Variant type: single nucleotide variant.
Coding change: c.22G>T on transcript NM_021008.4 (MANE Select); coding-DNA position 22, G replaced by T.
Protein change: p.Ala8Ser; replaces alanine 8 with serine.
Molecular consequence: missense variant. On other transcripts: 5 prime UTR variant (3), intron variant (1).
Genome position (GRCh38, 1-based): chr11:695,026, C>A on the plus strand (G>T on the coding strand, the complement: DEAF1 is on the minus strand). VCF-style: chr11-695026-C-A. GRCh37 (hg19) VCF-style: chr11-695026-C-A.
Other names: c.22G>T, p.Ala8Ser (NM_001293634.2, NM_001440883.1, NM_001440884.1); c.-575G>T (NM_001440885.1); c.-1975G>T (NM_001440886.1); c.-785G>T (NM_001440887.1); c.-437-3428G>T (NM_001367390.1); short protein forms A8S.
Identifiers: ClinVar variation 4711173 (VCV004711173.1).